The following is an entry in ClinVar:

ClinVar aggregate classification (germline): Uncertain significance. Review status: criteria provided, multiple submitters, no conflicts (2 of 4 stars). 3 submissions from 3 submitters: Uncertain significance (3). Last evaluated 2021-11-07.

Conditions:
Hereditary cancer-predisposing syndrome. Also called: Neoplastic Syndromes, Hereditary; Tumor predisposition; Hereditary neoplastic syndrome; Hereditary Cancer Syndrome. Identifiers: Orphanet 140162, MedGen C0027672, MeSH D009386, MONDO:0015356.
Microcephaly, normal intelligence and immunodeficiency (NBS). Also called: Ataxia telangiectasia variant V1; Nijmegen breakage syndrome; Microcephaly with normal intelligence immunodeficiency and lymphoreticular malignancies; Nonsyndromal microcephaly autosomal recessive with normal intelligence; Seemanova syndrome 2; IMMUNODEFICIENCY, MICROCEPHALY, AND CHROMOSOMAL INSTABILITY. Identifiers: Orphanet 647, MedGen C0398791, MONDO:0009623, OMIM 251260.

Submissions (3):

Genome-Nilou Lab
Classification: Uncertain significance for Microcephaly, normal intelligence and immunodeficiency. Last evaluated: 2021-11-07. Review status: criteria provided, single submitter. Criteria: ACMG Guidelines, 2015. Collection method: clinical testing. Allele origin: germline. Affected: no.

Labcorp Genetics (formerly Invitae), Labcorp
Classification: Uncertain significance for Microcephaly, normal intelligence and immunodeficiency. Last evaluated: 2021-08-31. Review status: criteria provided, single submitter. Criteria: Invitae Variant Classification Sherloc (09022015). Collection method: clinical testing. Allele origin: germline.
Comment: This sequence change replaces serine with arginine at codon 410 of the NBN protein (p.Ser410Arg). The serine residue is moderately conserved and there is a moderate physicochemical difference between serine and arginine. This variant is not present in population databases (ExAC no frequency). This variant has not been reported in the literature in individuals affected with NBN-related conditions. ClinVar contains an entry for this variant (Variation ID: 239184). Algorithms developed to predict the effect of missense changes on protein structure and function are either unavailable or do not agree on the potential impact of this missense change (SIFT: "Tolerated"; PolyPhen-2: "Possibly Damaging"; Align-GVGD: "Class C0"). In summary, the available evidence is currently insufficient to determine the role of this variant in disease. Therefore, it has been classified as a Variant of Uncertain Significance.

Ambry Genetics
Classification: Uncertain significance for Hereditary cancer-predisposing syndrome. Last evaluated: 2021-02-18. Review status: criteria provided, single submitter. Criteria: Ambry Variant Classification Scheme 2023. Collection method: clinical testing. Allele origin: germline.
Comment: The p.S410R variant (also known as c.1230C>G), located in coding exon 10 of the NBN gene, results from a C to G substitution at nucleotide position 1230. The serine at codon 410 is replaced by arginine, an amino acid with dissimilar properties. This amino acid position is not well conserved in available vertebrate species. In addition, this alteration is predicted to be tolerated by in silico analysis. Since supporting evidence is limited at this time, the clinical significance of this alteration remains unclear.

NM_002485.5(NBN):c.1230C>G (p.Ser410Arg)

Gene: NBN (nibrin; minus strand). Cytogenetic location: 8q21.3.
Variant type: single nucleotide variant.
Coding change: c.1230C>G on transcript NM_002485.5 (MANE Select); coding-DNA position 1230, C replaced by G.
Protein change: p.Ser410Arg; replaces serine 410 with arginine.
Molecular consequence: missense variant.
Genome position (GRCh38, 1-based): chr8:89,955,450, G>C on the plus strand (C>G on the coding strand, the complement: NBN is on the minus strand). VCF-style: chr8-89955450-G-C. GRCh37 (hg19) VCF-style: chr8-90967678-G-C.
Other names: c.984C>G, p.Ser328Arg (NM_001024688.3); short protein forms S410R, S328R.
Identifiers: ClinVar variation 239184 (VCV000239184.16), dbSNP rs878854504, ClinGen allele CA10582598.